The following is an entry in ClinVar:

NM_018685.5(ANLN):c.2204A>G (p.Tyr735Cys)

Gene: ANLN (anillin, actin binding protein; plus strand). Cytogenetic location: 7p14.2.
Variant type: single nucleotide variant.
Coding change: c.2204A>G on transcript NM_018685.5 (MANE Select); coding-DNA position 2204, A replaced by G.
Protein change: p.Tyr735Cys; replaces tyrosine 735 with cysteine.
Molecular consequence: missense variant.
Genome position (GRCh38, 1-based): chr7:36,421,897, A>G. VCF-style: chr7-36421897-A-G. GRCh37 (hg19) VCF-style: chr7-36461506-A-G.
Other names: c.2204A>G (NM_018685.4); c.2093A>G, p.Tyr698Cys (NM_001284301.3); c.2090A>G, p.Tyr697Cys (NM_001284302.3); short protein forms Y735C, Y697C, Y698C.
Identifiers: ClinVar variation 2461797 (VCV002461797.4), dbSNP rs367548367, ClinGen allele CA4219809.
Genomic context (GRCh38, chr7:36,421,897, plus strand): 5'-CCTCTCATTGGTTTTCCTAGGAACTCAATAACGAAATAAATATGCAACAGACAGTGATCT[A>G]TCAAGCTAGCCAGGCTCTTAACTGCTGTGTTGATGAAGAACATGGAAAAGGGTCCCTAGA-3'
Protein context (NP_061155.2, residues 725-745): NEINMQQTVI[Tyr735Cys]QASQALNCCV

ClinVar aggregate classification (germline): Conflicting classifications of pathogenicity. Review status: criteria provided, conflicting classifications (1 of 4 stars). 3 submissions from 3 submitters: Uncertain significance (2); Likely benign (1). Last evaluated 2026-07-07.

Conditions:
ANLN-related disorder. Also called: ANLN-related condition.

Allele frequency attached by ClinVar (database versions not stated): ExAC 0.00007; ESP Exome Variant Server 0.00008; gnomAD 0.00009; 1000 Genomes Project 30x 0.00016; 1000 Genomes Project 0.00020.
gnomAD v4.1: 72 of 1,613,560 alleles (0.0045%); highest among the groups gnomAD compares: African/African-American, 0.048%; no homozygotes.

Submissions (3):

PreventionGenetics, part of Exact Sciences
Classification: Likely benign for ANLN-related condition. Last evaluated: 2026-07-07. Review status: criteria provided, single submitter. Criteria: ACMG Guidelines, 2015. Collection method: clinical testing. Allele origin: germline.
Comment: This variant is classified as likely benign based on ACMG/AMP sequence variant interpretation guidelines (Richards et al. 2015 PMID: 25741868, with internal and published modifications).

Labcorp Genetics (formerly Invitae), Labcorp
Classification: Uncertain significance. Last evaluated: 2025-07-29. Review status: criteria provided, single submitter. Criteria: Invitae Variant Classification Sherloc (09022015). Collection method: clinical testing. Allele origin: germline.
Comment: This sequence change replaces tyrosine, which is neutral and polar, with cysteine, which is neutral and slightly polar, at codon 735 of the ANLN protein (p.Tyr735Cys). This variant is present in population databases (rs367548367, gnomAD 0.06%), and has an allele count higher than expected for a pathogenic variant. This variant has not been reported in the literature in individuals affected with ANLN-related conditions. ClinVar contains an entry for this variant (Variation ID: 2461797). Invitae Evidence Modeling of protein sequence and biophysical properties (such as structural, functional, and spatial information, amino acid conservation, physicochemical variation, residue mobility, and thermodynamic stability) indicates that this missense variant is not expected to disrupt ANLN protein function with a negative predictive value of 80%. In summary, the available evidence is currently insufficient to determine the role of this variant in disease. Therefore, it has been classified as a Variant of Uncertain Significance.

Ambry Genetics
Classification: Uncertain significance. Last evaluated: 2023-03-06. Review status: criteria provided, single submitter. Criteria: Ambry Variant Classification Scheme 2023. Collection method: clinical testing. Allele origin: germline.